The following is an entry in ClinVar:

NM_025179.4(PLXNA2):c.520C>G (p.Arg174Gly)

Gene: PLXNA2 (plexin A2; minus strand). Cytogenetic location: 1q32.2.
Variant type: single nucleotide variant.
Coding change: c.520C>G on transcript NM_025179.4 (MANE Select); coding-DNA position 520, C replaced by G.
Protein change: p.Arg174Gly; replaces arginine 174 with glycine.
Molecular consequence: missense variant.
Genome position (GRCh38, 1-based): chr1:208,217,403, G>C on the plus strand (C>G on the coding strand, the complement: PLXNA2 is on the minus strand). VCF-style: chr1-208217403-G-C. GRCh37 (hg19) VCF-style: chr1-208390748-G-C.
Other names: short protein forms R174G.
Identifiers: ClinVar variation 3353523 (VCV003353523.1).

ClinVar aggregate classification (germline): Uncertain significance (0 of 4 stars; one submission).

Conditions:
PLXNA2-related disorder. Also called: PLXNA2-related condition.

gnomAD v4.1: 2 of 1,614,160 alleles (0.00012%); highest among the groups gnomAD compares: Non-Finnish European, 0.00017%; no homozygotes.

Submission:

PreventionGenetics, part of Exact Sciences
Classification: Uncertain significance for PLXNA2-related condition. Last evaluated: 2024-09-10. Review status: no assertion criteria provided. Collection method: clinical testing. Allele origin: germline.
Comment: The PLXNA2 c.520C>G variant is predicted to result in the amino acid substitution p.Arg174Gly. To our knowledge, this variant has not been reported in individuals with obesity in the literature or in a large population database, indicating this variant is rare. A different variant affecting the same amino acid (p.Arg174Cys) has been reported in one individual from a cohort of patients with autism (Proband ID: SP011267, reported in Supplementary Data 1 as 1:208217403:G:A, Zhou et al. 2022. PubMed ID: 35982159; reported in Supplementary Table 20 as 1:208217403:G:A, Fu et al. 2022. PubMed ID: 35982160). At this time, the clinical significance of this variant is uncertain due to the absence of conclusive functional and genetic evidence.